The following is an entry in ClinVar:

ClinVar aggregate classification (germline): Uncertain significance (1 of 4 stars; one submission).

Allele frequency attached by ClinVar (database versions not stated): TOPMed below 0.00001; gnomAD 0.00001; gnomAD exomes 0.00001.
gnomAD v4.1: 19 of 1,614,076 alleles (0.0012%); highest among the groups gnomAD compares: Admixed American, 0.005%; no homozygotes.

Submission:

Labcorp Genetics (formerly Invitae), Labcorp
Classification: Uncertain significance. Last evaluated: 2022-08-09. Review status: criteria provided, single submitter. Criteria: Invitae Variant Classification Sherloc (09022015). Collection method: clinical testing. Allele origin: germline.
Comment: This sequence change replaces arginine, which is basic and polar, with glutamine, which is neutral and polar, at codon 1457 of the SZT2 protein (p.Arg1457Gln). This variant is present in population databases (no rsID available, gnomAD 0.003%). This variant has not been reported in the literature in individuals affected with SZT2-related conditions. ClinVar contains an entry for this variant (Variation ID: 650452). Algorithms developed to predict the effect of missense changes on protein structure and function (SIFT, PolyPhen-2, Align-GVGD) all suggest that this variant is likely to be tolerated. In summary, the available evidence is currently insufficient to determine the role of this variant in disease. Therefore, it has been classified as a Variant of Uncertain Significance.

NM_001365999.1(SZT2):c.4541G>A (p.Arg1514Gln)

Gene: SZT2 (SZT2 subunit of KICSTOR complex; plus strand). Cytogenetic location: 1p34.2.
Variant type: single nucleotide variant.
Coding change: c.4541G>A on transcript NM_001365999.1 (MANE Select); coding-DNA position 4541, G replaced by A.
Protein change: p.Arg1514Gln; replaces arginine 1514 with glutamine.
Molecular consequence: missense variant.
Genome position (GRCh38, 1-based): chr1:43,430,556, G>A. VCF-style: chr1-43430556-G-A. GRCh37 (hg19) VCF-style: chr1-43896227-G-A.
Other names: c.4370G>A, p.Arg1457Gln (NM_015284.4); short protein forms R1457Q, R1514Q.
Identifiers: ClinVar variation 650452 (VCV000650452.8), dbSNP rs1309175428, ClinGen allele CA340021840.